The following is an entry in ClinVar:

NM_000041.4(APOE):c.496C>T (p.Leu166Phe)

Gene: APOE (apolipoprotein E; plus strand). Cytogenetic location: 19q13.32.
Variant type: single nucleotide variant.
Coding change: c.496C>T on transcript NM_000041.4 (MANE Select); coding-DNA position 496, C replaced by T.
Protein change: p.Leu166Phe; replaces leucine 166 with phenylalanine.
Molecular consequence: missense variant.
Genome position (GRCh38, 1-based): chr19:44,908,792, C>T. VCF-style: chr19-44908792-C-T. GRCh37 (hg19) VCF-style: chr19-45412049-C-T.
Other names: c.574C>T, p.Leu192Phe (NM_001302688.2); c.496C>T, p.Leu166Phe (NM_001302689.2, NM_001302690.2, NM_001302691.2); short protein forms L166F, L192F.
Identifiers: ClinVar variation 4613733 (VCV004613733.1).
Genomic context (GRCh38, chr19:44,908,792, plus strand): 5'-CAGAGCACCGAGGAGCTGCGGGTGCGCCTCGCCTCCCACCTGCGCAAGCTGCGTAAGCGG[C>T]TCCTCCGCGATGCCGATGACCTGCAGAAGCGCCTGGCAGTGTACCAGGCCGGGGCCCGCG-3'
Protein context (NP_000032.1, residues 156-176): ASHLRKLRKR[Leu166Phe]LRDADDLQKR

ClinVar aggregate classification (germline): Uncertain significance (1 of 4 stars; one submission).

Conditions:
Cardiovascular phenotype. Identifiers: MedGen CN230736.

Submission:

Ambry Genetics
Classification: Uncertain significance for Cardiovascular phenotype. Last evaluated: 2025-12-10. Review status: criteria provided, single submitter. Criteria: Ambry Variant Classification Scheme 2023. Collection method: clinical testing. Allele origin: germline.
Comment: The p.L166F variant (also known as c.496C>T), located in coding exon 3 of the APOE gene, results from a C to T substitution at nucleotide position 496. The leucine at codon 166 is replaced by phenylalanine, an amino acid with highly similar properties. This amino acid position is conserved. In addition, this alteration is predicted to be tolerated by in silico analysis. Based on the available evidence, the clinical significance of this variant remains unclear.